The following is an entry in ClinVar:

ClinVar aggregate classification (germline): Pathogenic. Review status: reviewed by expert panel (3 of 4 stars). 2 submissions from 2 submitters: Pathogenic (1). 1 of the submissions does not count toward it. Last evaluated 2016-09-08.

Conditions:
Breast-ovarian cancer, familial, susceptibility to, 2 (BROVCA2). Also called: BRCA2 Hereditary Breast and Ovarian Cancer. Identifiers: Orphanet 145, MedGen C2675520, MONDO:0012933, OMIM 612555. Disease mechanism: loss of function.

Submissions (2):

Evidence-based Network for the Interpretation of Germline Mutant Alleles (ENIGMA)
Classification: Pathogenic for Breast-ovarian cancer, familial, susceptibility to, 2. Last evaluated: 2016-09-08. Review status: reviewed by expert panel. Criteria: ENIGMA BRCA1/2 Classification Criteria (2015). Collection method: curation. Allele origin: germline.
Comment: Variant allele predicted to encode a truncated non-functional protein.

Breast Cancer Information Core (BIC) (BRCA2)
Classification: Pathogenic for Breast-ovarian cancer, familial 2. Review status: no assertion criteria provided. Collection method: clinical testing. Allele origin: somatic. Affected: yes. Observed: 1 variant allele. Not counted in ClinVar's aggregate classification.

NM_000059.4(BRCA2):c.3639del (p.Val1214fs)

Gene: BRCA2 (BRCA2 DNA repair associated; plus strand). Cytogenetic location: 13q13.1.
Variant type: Deletion.
Coding change: c.3639del on transcript NM_000059.4 (MANE Select); coding-DNA position 3639, one base deleted (A; older notation c.3639delA).
Protein change: p.Val1214fs; shifts the reading frame from valine 1214.
Molecular consequence: frameshift variant.
Genome position (GRCh38, 1-based): chr13:32,337,994, A deleted; the last of 2 consecutive A bases (chr13:32,337,993-32,337,994); deleting either gives the same sequence. VCF-style (leftmost placement, unchanged base first): chr13-32337992-GA-G. GRCh37 (hg19) VCF-style: chr13-32912129-GA-G.
Other names: 3866delA; c.3639delA (NM_000059.3); short protein forms V1214fs.
Identifiers: ClinVar variation 254520 (VCV000254520.2), dbSNP rs80359394, ClinGen allele CA018444.